The following is an entry in ClinVar:

ClinVar aggregate classification (germline): Uncertain significance (1 of 4 stars; one submission).

Allele frequency attached by ClinVar (database versions not stated): TOPMed below 0.00001.

Submission:

Labcorp Genetics (formerly Invitae), Labcorp
Classification: Uncertain significance. Last evaluated: 2022-07-12. Review status: criteria provided, single submitter. Criteria: Invitae Variant Classification Sherloc (09022015). Collection method: clinical testing. Allele origin: germline.
Comment: This variant has not been reported in the literature in individuals affected with LONP1-related conditions. In summary, the available evidence is currently insufficient to determine the role of this variant in disease. Therefore, it has been classified as a Variant of Uncertain Significance. Variants that disrupt the consensus splice site are a relatively common cause of aberrant splicing (PMID: 17576681, 9536098). Algorithms developed to predict the effect of sequence changes on RNA splicing suggest that this variant is not likely to affect RNA splicing. This variant is not present in population databases (gnomAD no frequency). This sequence change falls in intron 11 of the LONP1 gene. It does not directly change the encoded amino acid sequence of the LONP1 protein. It affects a nucleotide within the consensus splice site.

Literature cited by the submitters: PubMed 17576681; PubMed 9536098.

NM_004793.4(LONP1):c.1774-3C>T

Gene: LONP1 (lon peptidase 1, mitochondrial; minus strand). Cytogenetic location: 19p13.3.
Variant type: single nucleotide variant.
Coding change: c.1774-3C>T on transcript NM_004793.4 (MANE Select); 3 bases into the intron before coding-DNA position 1774, C replaced by T.
Molecular consequence: intron variant.
Genome position (GRCh38, 1-based): chr19:5,696,374, G>A on the plus strand (C>T on the coding strand, the complement: LONP1 is on the minus strand). VCF-style: chr19-5696374-G-A. GRCh37 (hg19) VCF-style: chr19-5696385-G-A.
Other names: c.1186-3C>T (NM_001276480.1); c.1582-3C>T (NM_001276479.2).
Identifiers: ClinVar variation 2051370 (VCV002051370.4), dbSNP rs2054928473, ClinGen allele CA2320061383.